The following is an entry in ClinVar:

NM_017780.4(CHD7):c.2839C>A (p.Arg947=)

Gene: CHD7 (chromodomain helicase DNA binding protein 7; plus strand). Cytogenetic location: 8q12.2.
Variant type: single nucleotide variant.
Coding change: c.2839C>A on transcript NM_017780.4 (MANE Select); coding-DNA position 2839, C replaced by A.
Protein change: p.Arg947=; no amino-acid change (arginine 947 retained).
Molecular consequence: synonymous variant. On other transcripts: intron variant (1).
Genome position (GRCh38, 1-based): chr8:60,822,027, C>A. VCF-style: chr8-60822027-C-A. GRCh37 (hg19) VCF-style: chr8-61734586-C-A.
Other names: c.1717-40202C>A (NM_001316690.1); c.2839C>A (NM_017780.2).
Identifiers: ClinVar variation 1122573 (VCV001122573.12), dbSNP rs200220845, ClinGen allele CA4759846.

ClinVar aggregate classification (germline): Conflicting classifications of pathogenicity. Review status: criteria provided, conflicting classifications (1 of 4 stars). 3 submissions from 3 submitters: Uncertain significance (1); Likely benign (2). Last evaluated 2024-10-29.

Conditions:
Inborn genetic diseases. Identifiers: MedGen C0950123, MeSH D030342.
CHARGE syndrome (CHARGE). Also called: Hittner Hirsch Kreh syndrome; CHARGE ASSOCIATION--COLOBOMA, HEART ANOMALY, CHOANAL ATRESIA, RETARDATION, GENITAL AND EAR ANOMALIES; Coloboma, heart anomaly, choanal atresia, retardation, genital and ear anomalies; CHARGE association; Hall-Hittner syndrome. Identifiers: Orphanet 138, MedGen C0265354, MONDO:0008965.

Allele frequency attached by ClinVar (database versions not stated): ExAC 0.00001; gnomAD 0.00001; gnomAD exomes 0.00001 and 0.00002; TOPMed 0.00001.

Submissions (3):

Labcorp Genetics (formerly Invitae), Labcorp
Classification: Likely benign for CHARGE syndrome. Last evaluated: 2024-10-29. Review status: criteria provided, single submitter. Criteria: Invitae Variant Classification Sherloc (09022015). Collection method: clinical testing. Allele origin: germline.

GeneDx
Classification: Uncertain significance. Last evaluated: 2023-06-12. Review status: criteria provided, single submitter. Criteria: GeneDx Variant Classification Process June 2021. Collection method: clinical testing. Allele origin: germline. Affected: yes.
Comment: Not observed at significant frequency in large population cohorts (gnomAD); In silico analysis supports that this variant does not alter splicing; Has not been previously published as pathogenic or benign to our knowledge

Ambry Genetics
Classification: Likely benign for Inborn genetic diseases. Last evaluated: 2019-07-26. Review status: criteria provided, single submitter. Criteria: Ambry Variant Classification Scheme 2023. Collection method: clinical testing. Allele origin: germline.